The following is an entry in ClinVar:

NM_002470.4(MYH3):c.5252A>G (p.Asn1751Ser)

Gene: MYH3 (myosin heavy chain 3; minus strand). Cytogenetic location: 17p13.1.
Variant type: single nucleotide variant.
Coding change: c.5252A>G on transcript NM_002470.4 (MANE Select); coding-DNA position 5252, A replaced by G.
Protein change: p.Asn1751Ser; replaces asparagine 1751 with serine.
Molecular consequence: missense variant.
Genome position (GRCh38, 1-based): chr17:10,631,645, T>C on the plus strand (A>G on the coding strand, the complement: MYH3 is on the minus strand). VCF-style: chr17-10631645-T-C. GRCh37 (hg19) VCF-style: chr17-10534962-T-C.
Other names: short protein forms N1751S.
Identifiers: ClinVar variation 3573706 (VCV003573706.1).
Genomic context (GRCh38, chr17:10,631,645, plus strand): 5'-AGGGCAGCAGGAAGGAGACGCCTTACGTCCGTGATGGCCTTCTTGGCCTTCTCCTCAGCG[T>C]TCCTTGCATCCCTGCTGGCATCTTCTACCTCACTCTGGAGCTGCATGAGGTCTGTCTCCA-3'
Protein context (NP_002461.2, residues 1741-1761): EVEDASRDAR[Asn1751Ser]AEEKAKKAIT

ClinVar aggregate classification (germline): Uncertain significance (1 of 4 stars; one submission).

gnomAD v4.1: 6 of 1,614,174 alleles (0.00037%); highest among the groups gnomAD compares: Non-Finnish European, 0.00042%; no homozygotes.

Submission:

GeneDx
Classification: Uncertain significance. Last evaluated: 2024-07-17. Review status: criteria provided, single submitter. Criteria: GeneDx Variant Classification Process June 2021. Collection method: clinical testing. Allele origin: germline. Affected: yes.
Comment: Not observed at significant frequency in large population cohorts (gnomAD); In silico analysis supports that this missense variant has a deleterious effect on protein structure/function; Has not been previously published as pathogenic or benign to our knowledge